The following is an entry in ClinVar:

NM_004104.5(FASN):c.5788C>T (p.Arg1930Cys)

Gene: FASN (fatty acid synthase; minus strand). Cytogenetic location: 17q25.3.
Variant type: single nucleotide variant.
Coding change: c.5788C>T on transcript NM_004104.5 (MANE Select); coding-DNA position 5788, C replaced by T.
Protein change: p.Arg1930Cys; replaces arginine 1930 with cysteine.
Molecular consequence: missense variant.
Genome position (GRCh38, 1-based): chr17:82,082,658, G>A on the plus strand (C>T on the coding strand, the complement: FASN is on the minus strand). VCF-style: chr17-82082658-G-A. GRCh37 (hg19) VCF-style: chr17-80040534-G-A.
Other names: short protein forms R1930C.
Identifiers: ClinVar variation 1006925 (VCV001006925.8), dbSNP rs143560521, ClinGen allele CA8851546.
Genomic context (GRCh38, chr17:82,082,658, plus strand): 5'-CCAGTGAGCTGATGTTGCTGGTGGACACCTGCACCTGTACGCCCTGGCGCCTCCACCGGC[G>A]GACCTGCTTGGCCTGGTAGCCTGCGGGACACAGGACTGTGGGCTGGACTGGGCCAGGGTA-3'
Protein context (NP_004095.4, residues 1920-1940): IRTGYQAKQV[Arg1930Cys]RWRRQGVQVQ

ClinVar aggregate classification (germline): Uncertain significance (1 of 4 stars; one submission).

Conditions:
Epileptic encephalopathy. Identifiers: MedGen C0543888, HP:0200134.

Allele frequency attached by ClinVar (database versions not stated): TOPMed 0.00003; ExAC 0.00005; gnomAD 0.00005 and 0.00006; gnomAD exomes 0.00005; ESP Exome Variant Server 0.00008.

Submission:

Labcorp Genetics (formerly Invitae), Labcorp
Classification: Uncertain significance for Epileptic encephalopathy. Last evaluated: 2025-07-21. Review status: criteria provided, single submitter. Criteria: Invitae Variant Classification Sherloc (09022015). Collection method: clinical testing. Allele origin: germline.
Comment: This sequence change replaces arginine, which is basic and polar, with cysteine, which is neutral and slightly polar, at codon 1930 of the FASN protein (p.Arg1930Cys). This variant is present in population databases (rs143560521, gnomAD 0.04%). This variant has not been reported in the literature in individuals affected with FASN-related conditions. ClinVar contains an entry for this variant (Variation ID: 1006925). An algorithm developed to predict the effect of missense changes on protein structure and function (PolyPhen-2) suggests that this variant is likely to be disruptive. In summary, the available evidence is currently insufficient to determine the role of this variant in disease. Therefore, it has been classified as a Variant of Uncertain Significance.